The following is an entry in ClinVar:

ClinVar aggregate classification (germline): Benign (1 of 4 stars; one submission).

Conditions:
Autosomal recessive osteopetrosis 5. Identifiers: Orphanet 85179, MedGen C1968603, MONDO:0009817, OMIM 259720.

Allele frequency attached by ClinVar (database versions not stated): gnomAD 0.04223 and 0.04528; TOPMed 0.04826; 1000 Genomes Project 0.04992; 1000 Genomes Project 30x 0.05528.

Submission:

Illumina Laboratory Services, Illumina
Classification: Benign for Autosomal recessive osteopetrosis 5. Last evaluated: 2018-01-12. Review status: criteria provided, single submitter. Criteria: ICSL Variant Classification Criteria 13 December 2019. Collection method: clinical testing. Allele origin: germline.
Comment: This variant was observed in the ICSL laboratory as part of a predisposition screen in an ostensibly healthy population. It had not been previously curated by ICSL or reported in the Human Gene Mutation Database (HGMD: prior to June 1st, 2018), and was therefore a candidate for classification through an automated scoring system. Utilizing variant allele frequency, disease prevalence and penetrance estimates, and inheritance mode, an automated score was calculated to assess if this variant is too frequent to cause the disease. Based on the score and internal cut-off values, a variant classified as benign is not then subjected to further curation. The score for this variant resulted in a classification of benign for this disease.

NM_014028.4(OSTM1):c.*1161G>A

Gene: OSTM1 (osteoclastogenesis associated transmembrane protein 1; minus strand). Cytogenetic location: 6q21.
Variant type: single nucleotide variant.
Coding change: c.*1161G>A on transcript NM_014028.4 (MANE Select); 1161 bases downstream of the stop codon, G replaced by A.
Molecular consequence: 3 prime UTR variant.
Genome position (GRCh38, 1-based): chr6:108,043,624, C>T on the plus strand (G>A on the coding strand, the complement: OSTM1 is on the minus strand). VCF-style: chr6-108043624-C-T. GRCh37 (hg19) VCF-style: chr6-108364828-C-T.
Identifiers: ClinVar variation 354967 (VCV000354967.5), dbSNP rs17069228, ClinGen allele CA10625672.
Genomic context (GRCh38, chr6:108,043,624, plus strand): 5'-TAATAAATGAAATCCTGAACTCTAAAAACCTAAGAAATAAAACTGTGAACAATTCTGAAA[C>T]GGAGTGTTTTTTCTAAAGGCTAATACAAACATACCAAAATAGAATTTCTGAGCACGAACT-3'